The following is an entry in ClinVar:

ClinVar aggregate classification (germline): Likely benign. Review status: criteria provided, multiple submitters, no conflicts (2 of 4 stars). 2 submissions from 2 submitters: Likely benign (2). Last evaluated 2021-07-30.

Submissions (2):

Labcorp Genetics (formerly Invitae), Labcorp
Classification: Likely benign. Last evaluated: 2021-07-30. Review status: criteria provided, single submitter. Criteria: Invitae Variant Classification Sherloc (09022015). Collection method: clinical testing. Allele origin: germline.

Laboratory for Molecular Medicine, Mass General Brigham Personalized Medicine
Classification: Likely benign. Last evaluated: 2012-06-08. Review status: criteria provided, single submitter. Criteria: LMM Criteria. Collection method: clinical testing. Allele origin: germline. Observed: 1 variant allele.
Comment: Phe81Phe in exon 1 of CLRN1: This variant is not expected to have clinical signi ficance because it does not alter an amino acid residue and is not located withi n the splice consensus sequence.

NM_174878.3(CLRN1):c.243T>C (p.Phe81=)

Gene: CLRN1 (clarin 1; minus strand). Cytogenetic location: 3q25.1.
Variant type: single nucleotide variant.
Coding change: c.243T>C on transcript NM_174878.3 (MANE Select); coding-DNA position 243, T replaced by C.
Protein change: p.Phe81=; no amino-acid change (phenylalanine 81 retained).
Molecular consequence: synonymous variant. On other transcripts: non-coding transcript variant (1).
Genome position (GRCh38, 1-based): chr3:150,972,466, A>G on the plus strand (T>C on the coding strand, the complement: CLRN1 is on the minus strand). VCF-style: chr3-150972466-A-G. GRCh37 (hg19) VCF-style: chr3-150690253-A-G.
Other names: c.243T>C, p.Phe81= (NM_001195794.1, NM_001256819.2).
Identifiers: ClinVar variation 48144 (VCV000048144.11), dbSNP rs397517931, ClinGen allele CA142683.